The following is an entry in ClinVar:

NM_001267550.2(TTN):c.41419G>C (p.Glu13807Gln)

Gene: TTN (titin; minus strand). Cytogenetic location: 2q31.2.
Variant type: single nucleotide variant.
Coding change: c.41419G>C on transcript NM_001267550.2 (MANE Select); coding-DNA position 41419, G replaced by C.
Protein change: p.Glu13807Gln; replaces glutamic acid 13807 with glutamine.
Molecular consequence: missense variant.
Genome position (GRCh38, 1-based): chr2:178,636,152, C>G on the plus strand (G>C on the coding strand, the complement: TTN is on the minus strand). VCF-style: chr2-178636152-C-G. GRCh37 (hg19) VCF-style: chr2-179500879-C-G.
Other names: c.36496G>C, p.Glu12166Gln (NM_001256850.1); c.14224G>C, p.Glu4742Gln (NM_003319.4); c.33715G>C, p.Glu11239Gln (NM_133378.4); c.14599G>C, p.Glu4867Gln (NM_133432.3); c.14800G>C, p.Glu4934Gln (NM_133437.4); short protein forms E12166Q, E4742Q, E13807Q, E4934Q, E11239Q, E4867Q.
Identifiers: ClinVar variation 669382 (VCV000669382.1), dbSNP rs1576741917, ClinGen allele CA349658811.

ClinVar aggregate classification (germline): Likely benign (1 of 4 stars; one submission).

Submission:

GeneDx
Classification: Likely benign. Last evaluated: 2018-05-31. Review status: criteria provided, single submitter. Criteria: GeneDx Variant Classification (06012015). Collection method: clinical testing. Allele origin: germline. Affected: yes.
Comment: This variant is considered likely benign or benign based on one or more of the following criteria: it is a conservative change, it occurs at a poorly conserved position in the protein, it is predicted to be benign by multiple in silico algorithms, and/or has population frequency not consistent with disease.